The following is an entry in ClinVar:

ClinVar aggregate classification (germline): Uncertain significance (1 of 4 stars; one submission).

Conditions:
Gastrointestinal stromal tumor. Also called: Gastrointestinal stroma tumor; Gastrointestinal stromal tumor, somatic. Identifiers: Orphanet 44890, MedGen C0238198, MeSH D046152, MONDO:0011719, OMIM 606764, HP:0100723.

Submission:

Labcorp Genetics (formerly Invitae), Labcorp
Classification: Uncertain significance for Gastrointestinal stromal tumor. Last evaluated: 2026-02-03. Review status: criteria provided, single submitter. Criteria: Invitae Variant Classification Sherloc (09022015). Collection method: clinical testing. Allele origin: germline.
Comment: This sequence change replaces isoleucine, which is neutral and non-polar, with valine, which is neutral and non-polar, at codon 71 of the PDGFRA protein (p.Ile71Val). This variant is not present in population databases (gnomAD no frequency). This variant has not been reported in the literature in individuals affected with PDGFRA-related conditions. An algorithm developed to predict the effect of missense changes on protein structure and function outputs the following: PolyPhen-2: "Benign". The valine amino acid residue is found in multiple mammalian species, which suggests that this missense change does not adversely affect protein function. In summary, the available evidence is currently insufficient to determine the role of this variant in disease. Therefore, it has been classified as a Variant of Uncertain Significance.

NM_006206.6(PDGFRA):c.211A>G (p.Ile71Val)

Gene: PDGFRA (platelet derived growth factor receptor alpha; plus strand). Cytogenetic location: 4q12.
Variant type: single nucleotide variant.
Coding change: c.211A>G on transcript NM_006206.6 (MANE Select); coding-DNA position 211, A replaced by G.
Protein change: p.Ile71Val; replaces isoleucine 71 with valine.
Molecular consequence: missense variant.
Genome position (GRCh38, 1-based): chr4:54,261,256, A>G. VCF-style: chr4-54261256-A-G. GRCh37 (hg19) VCF-style: chr4-55127423-A-G.
Other names: c.211A>G, p.Ile71Val (NM_001347827.2, NM_001347829.2); c.286A>G, p.Ile96Val (NM_001347828.2); c.250A>G, p.Ile84Val (NM_001347830.2); short protein forms I71V, I84V, I96V.
Identifiers: ClinVar variation 4810111 (VCV004810111.1).
Genomic context (GRCh38, chr4:54,261,256, plus strand): 5'-GGGGAGAGTGAAGTGAGCTGGCAGTACCCCATGTCTGAAGAAGAGAGCTCCGATGTGGAA[A>G]TCAGAAATGAAGAAAACAACAGCGGCCTTTTTGTGACGGTCTTGGAAGTGAGCAGTGCCT-3'
Protein context (NP_006197.1, residues 61-81): MSEEESSDVE[Ile71Val]RNEENNSGLF